The following is an entry in ClinVar:

NM_001367805.3(KIF23):c.1034G>C (p.Ser345Thr)

Gene: KIF23 (kinesin family member 23; plus strand). Cytogenetic location: 15q23.
Variant type: single nucleotide variant.
Coding change: c.1034G>C on transcript NM_001367805.3 (MANE Select); coding-DNA position 1034, G replaced by C.
Protein change: p.Ser345Thr; replaces serine 345 with threonine.
Molecular consequence: missense variant. On other transcripts: non-coding transcript variant (2).
Genome position (GRCh38, 1-based): chr15:69,429,133, G>C. VCF-style: chr15-69429133-G-C. GRCh37 (hg19) VCF-style: chr15-69721472-G-C.
Other names: c.662G>C, p.Ser221Thr (NM_001281301.2); c.992G>C, p.Ser331Thr (NM_001367804.2, NM_004856.7, NM_138555.4); short protein forms S221T, S331T, S345T.
Identifiers: ClinVar variation 2891419 (VCV002891419.3), dbSNP rs775809528, ClinGen allele CA7635070.

ClinVar aggregate classification (germline): Uncertain significance (1 of 4 stars; one submission).

Allele frequency attached by ClinVar (database versions not stated): gnomAD 0.00001; gnomAD exomes 0.00001; TOPMed 0.00001; ExAC 0.00003.
gnomAD v4.1: 12 of 1,612,786 alleles (0.00074%); highest among the groups gnomAD compares: South Asian, 0.0099%; no homozygotes.

Submission:

Labcorp Genetics (formerly Invitae), Labcorp
Classification: Uncertain significance. Last evaluated: 2025-04-01. Review status: criteria provided, single submitter. Criteria: Invitae Variant Classification Sherloc (09022015). Collection method: clinical testing. Allele origin: germline.
Comment: This sequence change replaces serine, which is neutral and polar, with threonine, which is neutral and polar, at codon 331 of the KIF23 protein (p.Ser331Thr). This variant is present in population databases (rs775809528, gnomAD 0.02%). This variant has not been reported in the literature in individuals affected with KIF23-related conditions. ClinVar contains an entry for this variant (Variation ID: 2891419). Invitae Evidence Modeling of protein sequence and biophysical properties (such as structural, functional, and spatial information, amino acid conservation, physicochemical variation, residue mobility, and thermodynamic stability) indicates that this missense variant is not expected to disrupt KIF23 protein function with a negative predictive value of 80%. Algorithms developed to predict the effect of sequence changes on RNA splicing suggest that this variant may create or strengthen a splice site. In summary, the available evidence is currently insufficient to determine the role of this variant in disease. Therefore, it has been classified as a Variant of Uncertain Significance.